The following is an entry in ClinVar:

ClinVar aggregate classification (germline): Likely pathogenic (1 of 4 stars; one submission).

Conditions:
Weaver syndrome (WVS). Also called: Weaver Smith syndrome; Overgrowth syndrome with accelerated skeletal maturation, unusual facies, and camptodactyly. Identifiers: Orphanet 3447, MedGen C0265210, MONDO:0010193, OMIM 277590.

Submission:

Laboratorio de Genomica, Unidad de Medicina Traslacional, Hospital de Ninos R. Gutierrez
Classification: Likely pathogenic for Weaver syndrome. Last evaluated: 2026-10-06. Review status: criteria provided, single submitter. Criteria: Institutional Variant Interpretation Framework ClinVar UMT Version 1. Collection method: clinical testing. Allele origin: germline. Affected: yes. Observed: 1 variant allele.
Comment: EZH2 encodes the catalytic subunit of the Polycomb Repressive Complex 2 (PRC2), a histone methyltransferase, mediating transcriptional repression and playing a key role in epigenetic regulation, stem cell homeostasis, and oncogenesis. EZH2 was first reported in relation to autosomal dominant Weaver syndrome in 2011 (PMID: 22190405). ClinGen Intellectual Disability and Autism Gene Curation Expert Panel has established that there is definitive evidence supporting the relationship between EZH2 and Weaver syndrome (MONDO:0010193, OMIM #277590,, August 3, 2022). The EZH2 variant NM_004456.5:c.475G>A results in the substitution of guanine with adenine at coding position 475 in exon 5 of EZH2, predicting a change of Glycine at position 159 for Arginine, NP_004447.2:p.(Gly159Arg). This variant has been reported in the literature in association with Weaver syndrome in one case (PMID: 24214728, PS4_supp) and has been reported in dbSNP (rs1488870104) but is absent in GnomAD database (PM2_supp). Bioinformatic prediction tools support a deleterious effect for this variant (REVEL score 0.745, PP3). It is located in a functional domain (Polycomb repressive complex 2 tri-helical domain PF18118) and affects a conserved residue in a region known to interact with DNMT1, DNMT3A and DNMT3B (PM1). In summary, the available evidence supports the classification of this variant as probably pathogenic (PM2_supporting, PM1, PP3, PS4_supp, PM6_supp) according to ACMG criteria and the recommendations of the ClinGen Sequence Variant Interpretation Working Group.

NM_004456.5(EZH2):c.475G>A (p.Gly159Arg)

Gene: EZH2 (enhancer of zeste 2 polycomb repressive complex 2 subunit; minus strand). Cytogenetic location: 7q36.1.
Variant type: single nucleotide variant.
Coding change: c.475G>A on transcript NM_004456.5 (MANE Select); coding-DNA position 475, G replaced by A.
Protein change: p.Gly159Arg; replaces glycine 159 with arginine.
Molecular consequence: missense variant.
Genome position (GRCh38, 1-based): chr7:148,829,737, C>T on the plus strand (G>A on the coding strand, the complement: EZH2 is on the minus strand). VCF-style: chr7-148829737-C-T. GRCh37 (hg19) VCF-style: chr7-148526829-C-T.
Other names: NP_004447.2:p.(Gly159Arg); c.475G>A, p.Gly159Arg (NM_001203247.2); c.448G>A, p.Gly150Arg (NM_001203248.2, NM_001203249.2); c.358G>A, p.Gly120Arg (NM_152998.3); short protein forms G120R, G150R, G159R.
Identifiers: ClinVar variation 5021432 (VCV005021432.1).
Genomic context (GRCh38, chr7:148,829,737, plus strand): 5'-GTCTCTCAATTCTTTAGCCCCTTTTTCCAAGAGAAGAAGCATATGGCTCACCTCTATCCC[C>T]GTGTACTTTCCCATCATAATTTTTTATTAGTTCTTCAATGAAAGTACCATCCTGATCTAA-3'
Protein context (NP_004447.2, residues 149-169): LIKNYDGKVH[Gly159Arg]DRECGFINDE